The following is an entry in ClinVar:

NM_004115.4(FGF14):c.408+40859G>C

Gene: FGF14 (fibroblast growth factor 14; minus strand). Cytogenetic location: 13q33.1.
Variant type: single nucleotide variant.
Coding change: c.408+40859G>C on transcript NM_004115.4 (MANE Select); 40859 bases into the intron after coding-DNA position 408, G replaced by C.
Molecular consequence: intron variant. On other transcripts: stop lost (1).
Genome position (GRCh38, 1-based): chr13:101,827,866, C>G on the plus strand (G>C on the coding strand, the complement: FGF14 is on the minus strand). VCF-style: chr13-101827866-C-G. GRCh37 (hg19) VCF-style: chr13-102480216-C-G.
Other names: c.480G>C, p.Ter160Tyr (NM_001321937.2); c.267+40859G>C (NM_001321947.2); c.306+40859G>C (NM_001379342.1, NM_001321948.2, NM_001321945.2); c.156+40859G>C (NM_001321946.2, NM_001321949.1, NM_001321943.1 and 4 more transcripts); c.228+40859G>C (NM_001321938.2, NM_001321940.1, NM_001321933.1); c.312+40859G>C (NM_001321939.2); c.423+40859G>C (NM_175929.3); c.222+40859G>C (NM_001321941.2); and 1 more.
Identifiers: ClinVar variation 2643901 (VCV002643901.24), dbSNP rs149975792, ClinGen allele CA256131790.

ClinVar aggregate classification (germline): Likely benign (1 of 4 stars; one submission).

Allele frequency attached by ClinVar (database versions not stated): gnomAD 0.00196; TOPMed 0.00208; 1000 Genomes Project 0.00280; 1000 Genomes Project 30x 0.00281.
gnomAD v4.1: 292 of 150,344 alleles (0.19%); highest among the groups gnomAD compares: African/African-American, 0.68%; 1 homozygote.

Submission:

CeGaT Center for Human Genetics Tuebingen
Classification: Likely benign. Last evaluated: 2023-01-01. Review status: criteria provided, single submitter. Criteria: CeGaT Center For Human Genetics Tuebingen Variant Classification Criteria Version 2. Collection method: clinical testing. Allele origin: germline. Affected: yes. Observed: 1 variant allele.
Comment: FGF14: BS1